The following is an entry in ClinVar:

ClinVar aggregate classification (germline): Pathogenic (1 of 4 stars; one submission).

Submission:

Labcorp Genetics (formerly Invitae), Labcorp
Classification: Pathogenic. Last evaluated: 2023-12-28. Review status: criteria provided, single submitter. Criteria: Invitae Variant Classification Sherloc (09022015). Collection method: clinical testing. Allele origin: unknown.
Comment: This variant is a gross deletion of the genomic region encompassing exon(s) 28 of the EYS gene. This deletion is out-of-frame, and is expected to create a premature termination codon and result in an absent or disrupted protein product. Loss-of-function variants in EYS are known to be pathogenic (PMID: 18836446, 20333770). This variant has not been reported in the literature in individuals affected with EYS-related conditions. For these reasons, this variant has been classified as Pathogenic.

Literature cited by the submitters: PubMed 18836446; PubMed 20333770.

NC_000006.11:g.(?_65146047)_(65146178_?)del

Gene: EYS (eyes shut homolog; minus strand). Cytogenetic location: 6q12.
Variant type: Deletion.
Identifiers: ClinVar variation 3246093 (VCV003246093.1).